The following is an entry in ClinVar:

ClinVar aggregate classification (germline): Pathogenic (1 of 4 stars; one submission).

Conditions:
Congenital glaucoma. Identifiers: MedGen C0020302, MONDO:0020366.

Submission:

Labcorp Genetics (formerly Invitae), Labcorp
Classification: Pathogenic for Congenital glaucoma. Last evaluated: 2024-02-01. Review status: criteria provided, single submitter. Criteria: Invitae Variant Classification Sherloc (09022015). Collection method: clinical testing. Allele origin: germline.
Comment: This sequence change creates a premature translational stop signal (p.Gln109*) in the CYP1B1 gene. It is expected to result in an absent or disrupted protein product. Loss-of-function variants in CYP1B1 are known to be pathogenic (PMID: 9097971, 9497261, 19234632). The frequency data for this variant in the population databases is considered unreliable, as metrics indicate poor data quality at this position in the gnomAD database. This premature translational stop signal has been observed in individual(s) with clinical features of CYP1B1-related conditions (PMID: 21600657). For these reasons, this variant has been classified as Pathogenic.

Literature cited by the submitters: PubMed 9097971; PubMed 9497261; PubMed 19234632; PubMed 21600657.

NM_000104.4(CYP1B1):c.325C>T (p.Gln109Ter)

Gene: CYP1B1 (cytochrome P450 family 1 subfamily B member 1; minus strand). Cytogenetic location: 2p22.2.
Variant type: single nucleotide variant.
Coding change: c.325C>T on transcript NM_000104.4 (MANE Select); coding-DNA position 325, C replaced by T.
Protein change: p.Gln109Ter; replaces glutamine 109 with a stop codon.
Molecular consequence: nonsense.
Genome position (GRCh38, 1-based): chr2:38,075,064, G>A on the plus strand (C>T on the coding strand, the complement: CYP1B1 is on the minus strand). VCF-style: chr2-38075064-G-A. GRCh37 (hg19) VCF-style: chr2-38302207-G-A.
Other names: short protein forms Q109*.
Identifiers: ClinVar variation 3720317 (VCV003720317.2).
Genomic context (GRCh38, chr2:38,075,064, plus strand): 5'-CGCCGGACACCACACGGAAGGAGGCGAAGGCCGGCCGGTCGGCGAAGGCCGAGCCCTGCT[G>A]CACCAGGGCCTGGTGGATGGCGCGCTCGCCATTCAGCACCACTATGGGGCAGCTGCCCAG-3'